The following is an entry in ClinVar:

ClinVar aggregate classification (germline): Uncertain significance (1 of 4 stars; one submission).

Conditions:
Charcot-Marie-Tooth disease type 2R. Also called: CHARCOT-MARIE-TOOTH DISEASE, AXONAL, AUTOSOMAL RECESSIVE, TYPE 2R; CHARCOT-MARIE-TOOTH NEUROPATHY, TYPE 2R; Charcot-Marie-Tooth disease, axonal, type 2R. Identifiers: Orphanet 397968, MedGen C3809655, MONDO:0014208, OMIM 615490.

Submission:

Labcorp Genetics (formerly Invitae), Labcorp
Classification: Uncertain significance for Charcot-Marie-Tooth disease type 2R. Last evaluated: 2023-04-12. Review status: criteria provided, single submitter. Criteria: Invitae Variant Classification Sherloc (09022015). Collection method: clinical testing. Allele origin: germline.
Comment: In summary, the available evidence is currently insufficient to determine the role of this variant in disease. Therefore, it has been classified as a Variant of Uncertain Significance. An algorithm developed to predict the effect of missense changes on protein structure and function (PolyPhen-2) suggests that this variant is likely to be tolerated. This variant has not been reported in the literature in individuals affected with TRIM2-related conditions. This variant is not present in population databases (gnomAD no frequency). This sequence change replaces arginine, which is basic and polar, with leucine, which is neutral and non-polar, at codon 29 of the TRIM2 protein (p.Arg29Leu).

NM_015271.5(TRIM2):c.167G>T (p.Arg56Leu)

Gene: TRIM2 (tripartite motif containing 2; plus strand). Cytogenetic location: 4q31.3.
Variant type: single nucleotide variant.
Coding change: c.167G>T on transcript NM_015271.5 (MANE Select); coding-DNA position 167, G replaced by T.
Protein change: p.Arg56Leu; replaces arginine 56 with leucine.
Molecular consequence: missense variant. On other transcripts: 5 prime UTR variant (3), intron variant (1).
Genome position (GRCh38, 1-based): chr4:153,270,471, G>T. VCF-style: chr4-153270471-G-T. GRCh37 (hg19) VCF-style: chr4-154191623-G-T.
Other names: c.86G>T, p.Arg29Leu (NM_001130067.2, NM_001351056.2, NM_001375512.1 and 5 more transcripts); c.167G>T, p.Arg56Leu (NM_001302692.2, NM_001375488.1, NM_001375490.1 and 1 more transcripts); c.164G>T, p.Arg55Leu (NM_001302693.2, NM_001375489.1, NM_001375491.1 and 1 more transcripts); c.140G>T, p.Arg47Leu (NM_001302694.2, NM_001351054.2); c.137G>T, p.Arg46Leu (NM_001351055.2); c.-391G>T (NM_001351057.2); c.-123G>T (NM_001375522.1, NM_001375523.1); c.-124-5422G>T (NM_001375525.1); short protein forms R29L, R46L, R47L, R55L, R56L.
Identifiers: ClinVar variation 2856522 (VCV002856522.3), dbSNP rs1418080739, ClinGen allele CA358469251.
Genomic context (GRCh38, chr4:153,270,471, plus strand): 5'-CAAGTCCTGTGGTGCGCCAGATTGACAAGCAGTTTCTGATTTGCAGTATATGCCTGGAAC[G>T]GTACAAGAATCCCAAGGTTCTCCCCTGTCTGCACACTTTCTGCGAGAGGTAAGCCTCCTT-3'
Protein context (NP_056086.2, residues 46-66): QFLICSICLE[Arg56Leu]YKNPKVLPCL